The following is an entry in ClinVar:

NM_054012.4(ASS1):c.773+4A>C

Gene: ASS1 (argininosuccinate synthase 1; plus strand). Cytogenetic location: 9q34.11.
Variant type: single nucleotide variant.
Coding change: c.773+4A>C on transcript NM_054012.4 (MANE Select); 4 bases into the intron after coding-DNA position 773, A replaced by C.
Molecular consequence: intron variant.
Genome position (GRCh38, 1-based): chr9:130,479,804, A>C. VCF-style: chr9-130479804-A-C. GRCh37 (hg19) VCF-style: chr9-133355191-A-C.
Other names: c.773+4A>C (NM_000050.4).
Identifiers: ClinVar variation 2081172 (VCV002081172.10), dbSNP rs763191684, ClinGen allele CA5283457.

ClinVar aggregate classification (germline): Pathogenic/Likely pathogenic. Review status: criteria provided, multiple submitters, no conflicts (2 of 4 stars). 4 submissions from 4 submitters: Pathogenic (1); Likely pathogenic (2). 1 of the submissions does not count toward it. Last evaluated 2026-01-31.

Conditions:
Citrullinemia type I (CTNL1). Also called: argininosuccinate synthetase deficiency; ASS DEFICIENCY. Identifiers: Orphanet 247525, MedGen C4721769, MONDO:0008988, OMIM 215700.
ASS1-related disorder. Also called: ASS1-related condition.
Citrullinemia. Identifiers: Orphanet 187, MedGen C0175683, MONDO:0015991.

Allele frequency attached by ClinVar (database versions not stated): gnomAD 0.00003; TOPMed 0.00006; ExAC 0.00010.

Submissions (4):

Labcorp Genetics (formerly Invitae), Labcorp
Classification: Pathogenic for Citrullinemia. Last evaluated: 2026-01-31. Review status: criteria provided, single submitter. Criteria: Invitae Variant Classification Sherloc (09022015). Collection method: clinical testing. Allele origin: germline.
Comment: This sequence change falls in intron 11 of the ASS1 gene. It does not directly change the encoded amino acid sequence of the ASS1 protein. It affects a nucleotide within the consensus splice site. This variant is present in population databases (rs763191684, gnomAD 0.1%). This variant has been observed in individual(s) with elevated citrulline levels (PMID: 31208364; internal data). In at least one individual the data is consistent with being in trans (on the opposite chromosome) from a pathogenic variant. ClinVar contains an entry for this variant (Variation ID: 2081172). Variants that disrupt the consensus splice site are a relatively common cause of aberrant splicing (PMID: 17576681, 9536098). Algorithms developed to predict the effect of sequence changes on RNA splicing suggest that this variant may disrupt the consensus splice site. For these reasons, this variant has been classified as Pathogenic.

Natera, Inc.
Classification: Likely pathogenic for Citrullinemia type I. Last evaluated: 2025-03-17. Review status: criteria provided, single submitter. Criteria: Natera Variant Classification Schema (03/2026). Collection method: clinical testing. Allele origin: germline.
Comment: The c.773+4A>C variant in ASS1 is an intronic variant located outside the canonical splice sites. This variant is rare in the general population with a frequency below the threshold expected for the associated phenotype(s). This variant has been observed in one or more individuals affected with the associated recessive disease, as either homozygous or compound heterozygous with a second variant (PMID: 31208364, 36246604). Computational prediction algorithms indicate this variant is likely to affect gene or protein function. Given the available evidence, this variant is classified as Likely Pathogenic.

Fulgent Genetics
Classification: Likely pathogenic for Citrullinemia type I. Last evaluated: 2024-05-30. Review status: criteria provided, single submitter. Criteria: ACMG Guidelines, 2015. Collection method: clinical testing. Allele origin: germline.

PreventionGenetics, part of Exact Sciences
Classification: Likely pathogenic for ASS1-related condition. Last evaluated: 2024-09-19. Review status: no assertion criteria provided. Collection method: clinical testing. Allele origin: germline. Not counted in ClinVar's aggregate classification.
Comment: The ASS1 c.773+4A>C variant is predicted to interfere with splicing. This variant has been reported in the homozygous and compound heterozygous states in multiple individuals with citrullinemia (Lin et al. 2019. PubMed ID: 31208364; Chen et al. 2022. PubMed ID: 35726796; Zhang et al. 2022. PubMed ID: 36246604). This variant is reported in 0.11% of alleles in individuals of East Asian descent in gnomAD. This variant is predicted to weaken the nearby canonical splice donor site based on available splicing prediction programs (SpliceAI, Jaganathan et al. 2019. PubMed ID: 30661751; Alamut Visual v1.6.1). However, the use of computer prediction programs is not equivalent to functional evidence. This variant is interpreted as likely pathogenic.

Literature cited by the submitters: PubMed 31208364 (cited by Labcorp Genetics (formerly Invitae), Labcorp and Natera, Inc.); PubMed 17576681 (cited by Labcorp Genetics (formerly Invitae), Labcorp); PubMed 9536098 (cited by Labcorp Genetics (formerly Invitae), Labcorp); PubMed 36246604 (cited by Natera, Inc.).